The following is an entry in ClinVar:

NM_000455.5(STK11):c.1031T>C (p.Leu344Pro)

Genes: STK11 (serine/threonine kinase 11; plus strand), LOC130062899 (ATAC-STARR-seq lymphoblastoid active region 13597; plus strand). Cytogenetic location: 19p13.3.
Variant type: single nucleotide variant.
Coding change: c.1031T>C on transcript NM_000455.5 (MANE Select); coding-DNA position 1031, T replaced by C.
Protein change: p.Leu344Pro; replaces leucine 344 with proline.
Molecular consequence: missense variant.
Genome position (GRCh38, 1-based): chr19:1,223,095, T>C. VCF-style: chr19-1223095-T-C. GRCh37 (hg19) VCF-style: chr19-1223094-T-C.
Other names: short protein forms L344P.
Identifiers: ClinVar variation 219493 (VCV000219493.30), dbSNP rs864622118, ClinGen allele CA348502.

ClinVar aggregate classification (germline): Uncertain significance. Review status: criteria provided, multiple submitters, no conflicts (2 of 4 stars). 8 submissions from 8 submitters: Uncertain significance (8). Last evaluated 2025-12-18.

Conditions:
Peutz-Jeghers syndrome (PJS). Also called: Peutz-Jeghers polyposis; Periorificial lentiginosis syndrome; POLYPOSIS, HAMARTOMATOUS INTESTINAL; POLYPS-AND-SPOTS SYNDROME. Identifiers: Orphanet 2869, MedGen C0031269, MeSH D010580, MONDO:0008280, OMIM 175200.
Hereditary cancer-predisposing syndrome. Also called: Tumor predisposition; Neoplastic Syndromes, Hereditary; Hereditary Cancer Syndrome; Hereditary neoplastic syndrome. Identifiers: Orphanet 140162, MedGen C0027672, MeSH D009386, MONDO:0015356.

Allele frequency attached by ClinVar (database versions not stated): gnomAD 0.00001; gnomAD exomes 0.00001 and 0.00002; TOPMed 0.00001.
gnomAD v4.1: 36 of 1,610,608 alleles (0.0022%); highest among the groups gnomAD compares: Non-Finnish European, 0.0028%; no homozygotes.

Submissions (8):

Labcorp Genetics (formerly Invitae), Labcorp
Classification: Uncertain significance for Peutz-Jeghers syndrome. Last evaluated: 2025-12-18. Review status: criteria provided, single submitter. Criteria: Invitae Variant Classification Sherloc (09022015). Collection method: clinical testing. Allele origin: germline.
Comment: This sequence change replaces leucine, which is neutral and non-polar, with proline, which is neutral and non-polar, at codon 344 of the STK11 protein (p.Leu344Pro). The frequency data for this variant in the population databases is considered unreliable, as metrics indicate poor data quality at this position in the gnomAD database. This missense change has been observed in individual(s) with colon polyps (PMID: 34326862). ClinVar contains an entry for this variant (Variation ID: 219493). Invitae Evidence Modeling of protein sequence and biophysical properties (such as structural, functional, and spatial information, amino acid conservation, physicochemical variation, residue mobility, and thermodynamic stability) has been performed for this missense variant. However, the output from this modeling did not meet the statistical confidence thresholds required to predict the impact of this variant on STK11 protein function. In summary, the available evidence is currently insufficient to determine the role of this variant in disease. Therefore, it has been classified as a Variant of Uncertain Significance.

Ambry Genetics
Classification: Uncertain significance for Hereditary cancer-predisposing syndrome. Last evaluated: 2025-06-16. Review status: criteria provided, single submitter. Criteria: Ambry Variant Classification Scheme 2023. Collection method: clinical testing. Allele origin: germline.
Comment: The p.L344P variant (also known as c.1031T>C), located in coding exon 8 of the STK11 gene, results from a T to C substitution at nucleotide position 1031. The leucine at codon 344 is replaced by proline, an amino acid with similar properties. This variant has been detected in multiple individuals with no reported features of STK11-associated disease (Ambry internal data). This amino acid position is highly conserved in available vertebrate species. In addition, this alteration is predicted to be deleterious by in silico analysis. Based on the available evidence, the clinical significance of this variant remains unclear.

Color Diagnostics, LLC DBA Color Health
Classification: Uncertain significance for Hereditary cancer-predisposing syndrome. Last evaluated: 2024-11-18. Review status: criteria provided, single submitter. Criteria: ACMG Guidelines, 2015. Collection method: clinical testing. Allele origin: germline.
Comment: This missense variant replaces leucine with proline at codon 344 of the STK11 protein. Computational prediction is inconclusive regarding the impact of this variant on protein structure and function (internally defined REVEL score threshold 0.5 < inconclusive < 0.7, PMID: 27666373). To our knowledge, functional studies have not been reported for this variant. This variant has been reported in an individual affected with melanoma (PMID: 29641532). This variant has been identified in 3/274340 chromosomes in the general population by the Genome Aggregation Database (gnomAD). The available evidence is insufficient to determine the role of this variant in disease conclusively. Therefore, this variant is classified as a Variant of Uncertain Significance.

All of Us Research Program, National Institutes of Health
Classification: Uncertain significance for Peutz-Jeghers syndrome. Last evaluated: 2024-07-29. Review status: criteria provided, single submitter. Criteria: ACMG Guidelines, 2015. Collection method: clinical testing. Allele origin: germline. Inheritance: Autosomal dominant inheritance. Observed: 4 variant alleles, 4 heterozygotes.
Comment: This missense variant replaces leucine with proline at codon 344 of the STK11 protein. Computational prediction is inconclusive regarding the impact of this variant on protein structure and function (internally defined REVEL score threshold 0.5 < inconclusive < 0.7, PMID: 27666373). Splice site prediction tools suggest that this variant may not impact RNA splicing. To our knowledge, functional studies have not been performed for this variant. This variant ha been reported in individuals affected with melanoma (PMID: 29641532). This variant has been identified in 3/274340 chromosomes in the general population by the Genome Aggregation Database (gnomAD). The available evidence is insufficient to determine the role of this variant in disease conclusively. Therefore, this variant is classified as a Variant of Uncertain Significance.

This study involves interpretation of variants in research participants for the purpose of population health screening. Participant phenotype was not available at the time of variant classification. Additional details can be found in publication PMID: 35346344, PMCID: PMC8962531

Department of Human Genetics, Hannover Medical School
Classification: Uncertain significance for Peutz-Jeghers syndrome. Last evaluated: 2024-07-15. Review status: criteria provided, single submitter. Criteria: ACMG Guidelines, 2015. Collection method: clinical testing. Allele origin: germline. Inheritance: Autosomal dominant inheritance. Affected: yes.

GeneDx
Classification: Uncertain significance. Last evaluated: 2022-02-17. Review status: criteria provided, single submitter. Criteria: GeneDx Variant Classification Process June 2021. Collection method: clinical testing. Allele origin: germline. Affected: yes.
Comment: Not observed at significant frequency in large population cohorts (gnomAD); In silico analysis supports that this missense variant has a deleterious effect on protein structure/function; Has not been previously published as pathogenic or benign to our knowledge; This variant is associated with the following publications: (PMID: 28900777, 29641532)

Blueprint Genetics
Classification: Uncertain significance. Last evaluated: 2022-02-09. Review status: criteria provided, single submitter. Criteria: ACMG Guidelines, 2015. Collection method: clinical testing. Allele origin: germline.

Genome-Nilou Lab
Classification: Uncertain significance for Peutz-Jeghers syndrome. Last evaluated: 2021-07-15. Review status: criteria provided, single submitter. Criteria: ACMG Guidelines, 2015. Collection method: clinical testing. Allele origin: germline. Affected: no.

Literature cited by the submitters: PubMed 34326862 (cited by Labcorp Genetics (formerly Invitae), Labcorp); PubMed 29641532 (cited by 3 submitters).